The following is an entry in ClinVar:

NM_015386.3(COG4):c.1309A>G (p.Asn437Asp)

Gene: COG4 (component of oligomeric golgi complex 4; minus strand). Cytogenetic location: 16q22.1.
Variant type: single nucleotide variant.
Coding change: c.1309A>G on transcript NM_015386.3 (MANE Select); coding-DNA position 1309, A replaced by G.
Protein change: p.Asn437Asp; replaces asparagine 437 with aspartic acid.
Molecular consequence: missense variant. On other transcripts: non-coding transcript variant (1).
Genome position (GRCh38, 1-based): chr16:70,497,942, T>C on the plus strand (A>G on the coding strand, the complement: COG4 is on the minus strand). VCF-style: chr16-70497942-T-C. GRCh37 (hg19) VCF-style: chr16-70531845-T-C.
Other names: c.1297A>G, p.Asn433Asp (NM_001195139.2); c.883A>G, p.Asn295Asp (NM_001365426.1); c.1309A>G (NM_015386.2); short protein forms N295D, N433D, N437D.
Identifiers: ClinVar variation 1018070 (VCV001018070.9), dbSNP rs370589898, ClinGen allele CA8144375.

ClinVar aggregate classification (germline): Uncertain significance. Review status: criteria provided, multiple submitters, no conflicts (2 of 4 stars). 2 submissions from 2 submitters: Uncertain significance (2). Last evaluated 2022-09-06.

Conditions:
Inborn genetic diseases. Identifiers: MedGen C0950123, MeSH D030342.
COG4-congenital disorder of glycosylation. Also called: COG4-CDG; CONGENITAL DISORDER OF GLYCOSYLATION, TYPE IIj; CDG IIj. Identifiers: Orphanet 263501, MedGen C4303552, MONDO:0013281, OMIM 613489.

Allele frequency attached by ClinVar (database versions not stated): ExAC 0.00001; gnomAD 0.00002; gnomAD exomes 0.00002; TOPMed 0.00003; ESP Exome Variant Server 0.00008.

Submissions (2):

Ambry Genetics
Classification: Uncertain significance for Inborn genetic diseases. Last evaluated: 2022-09-06. Review status: criteria provided, single submitter. Criteria: Ambry Variant Classification Scheme 2023. Collection method: clinical testing. Allele origin: germline.

Labcorp Genetics (formerly Invitae), Labcorp
Classification: Uncertain significance for COG4-congenital disorder of glycosylation. Last evaluated: 2020-10-06. Review status: criteria provided, single submitter. Criteria: Invitae Variant Classification Sherloc (09022015). Collection method: clinical testing. Allele origin: germline.
Comment: This sequence change replaces asparagine with aspartic acid at codon 437 of the COG4 protein (p.Asn437Asp). The asparagine residue is moderately conserved and there is a small physicochemical difference between asparagine and aspartic acid. This variant is present in population databases (rs370589898, ExAC 0.001%). This variant has not been reported in the literature in individuals with COG4-related conditions. Algorithms developed to predict the effect of missense changes on protein structure and function are either unavailable or do not agree on the potential impact of this missense change (SIFT: "Tolerated"; PolyPhen-2: "Possibly Damaging"; Align-GVGD: "Class C0"). In summary, the available evidence is currently insufficient to determine the role of this variant in disease. Therefore, it has been classified as a Variant of Uncertain Significance.